The following is an entry in ClinVar:

NM_005591.4(MRE11):c.164T>C (p.Ile55Thr)

Gene: MRE11 (MRE11 double strand break repair nuclease; minus strand). Cytogenetic location: 11q21.
Variant type: single nucleotide variant.
Coding change: c.164T>C on transcript NM_005591.4 (MANE Select); coding-DNA position 164, T replaced by C.
Protein change: p.Ile55Thr; replaces isoleucine 55 with threonine.
Molecular consequence: missense variant.
Genome position (GRCh38, 1-based): chr11:94,486,074, A>G on the plus strand (T>C on the coding strand, the complement: MRE11 is on the minus strand). VCF-style: chr11-94486074-A-G. GRCh37 (hg19) VCF-style: chr11-94219240-A-G.
Other names: c.164T>C, p.Ile55Thr (NM_001330347.2, NM_005590.4); short protein forms I55T.
Identifiers: ClinVar variation 3397823 (VCV003397823.1).

ClinVar aggregate classification (germline): Uncertain significance (1 of 4 stars; one submission).

Conditions:
Hereditary cancer-predisposing syndrome. Also called: Hereditary Cancer Syndrome; Tumor predisposition; Hereditary neoplastic syndrome; Neoplastic Syndromes, Hereditary. Identifiers: Orphanet 140162, MedGen C0027672, MeSH D009386, MONDO:0015356.

Submission:

Ambry Genetics
Classification: Uncertain significance for Hereditary cancer-predisposing syndrome. Last evaluated: 2024-07-06. Review status: criteria provided, single submitter. Criteria: Ambry Variant Classification Scheme 2023. Collection method: clinical testing. Allele origin: germline.
Comment: The p.I55T variant (also known as c.164T>C), located in coding exon 3 of the MRE11A gene, results from a T to C substitution at nucleotide position 164. The isoleucine at codon 55 is replaced by threonine, an amino acid with similar properties. This amino acid position is conserved. In addition, this alteration is predicted to be deleterious by in silico analysis. Based on the available evidence, the clinical significance of this variant remains unclear.